The following is an entry in ClinVar:

ClinVar aggregate classification (germline): Uncertain significance. Review status: criteria provided, multiple submitters, no conflicts (2 of 4 stars). 5 submissions from 5 submitters: Uncertain significance (5). Last evaluated 2025-07-30.

Conditions:
Cardiomyopathy (CMYO). Also called: Cardiomyopathies. Identifiers: Orphanet 167848, MedGen C0878544, MONDO:0004994, HP:0001638. Inheritance: Various modes of inheritance.
Cardiovascular phenotype. Identifiers: MedGen CN230736.
Primary dilated cardiomyopathy (DCM). Also called: Dilated Cardiomyopathy. Identifiers: Orphanet 217604, MedGen C0007193, MeSH D002311, MONDO:0005021, HP:0001644. Inheritance: Various modes of inheritance.
Hypertrophic cardiomyopathy. Also called: HYPERTROPHIC MYOCARDIOPATHY. Identifiers: Orphanet 217569, MedGen C0007194, MeSH D002312, MONDO:0005045, HP:0001639.

Allele frequency attached by ClinVar (database versions not stated): gnomAD exomes below 0.00001 and 0.00001; TOPMed below 0.00001; ExAC 0.00001; gnomAD 0.00001.
gnomAD v4.1: 7 of 1,614,052 alleles (0.00043%); highest among the groups gnomAD compares: Non-Finnish European, 0.00059%; no homozygotes.

Submissions (5):

Labcorp Genetics (formerly Invitae), Labcorp
Classification: Uncertain significance for Hypertrophic cardiomyopathy. Last evaluated: 2025-07-30. Review status: criteria provided, single submitter. Criteria: Invitae Variant Classification Sherloc (09022015). Collection method: clinical testing. Allele origin: germline.
Comment: This sequence change creates a premature translational stop signal (p.Gln1464*) in the MYH7 gene. It is expected to result in an absent or disrupted protein product. However, the current clinical and genetic evidence is not sufficient to establish whether loss-of-function variants in MYH7 cause disease. This variant is present in population databases (rs754829218, gnomAD 0.002%). This variant has not been reported in the literature in individuals affected with MYH7-related conditions. ClinVar contains an entry for this variant (Variation ID: 520285). In summary, the available evidence is currently insufficient to determine the role of this variant in disease. Therefore, it has been classified as a Variant of Uncertain Significance.

Color Diagnostics, LLC DBA Color Health
Classification: Uncertain significance for Cardiomyopathy. Last evaluated: 2024-02-13. Review status: criteria provided, single submitter. Criteria: ACMG Guidelines, 2015. Collection method: clinical testing. Allele origin: germline.
Comment: This variant changes 1 nucleotide in exon 32 of the MYH7 gene, creating a premature translation stop signal. This variant is expected to result in an absent or non-functional protein product. To our knowledge, this variant has not been reported in individuals affected with cardiovascular disorders in the literature. This variant has been identified in 2/251382 chromosomes in the general population by the Genome Aggregation Database (gnomAD). Clinical significance of loss-of-function MYH7 truncation variants in autosomal dominant cardiovascular disorders is not clearly established. The available evidence is insufficient to determine the role of this variant in disease conclusively. Therefore, this variant is classified as a Variant of Uncertain Significance.

All of Us Research Program, National Institutes of Health
Classification: Uncertain significance for Primary dilated cardiomyopathy. Last evaluated: 2023-12-15. Review status: criteria provided, single submitter. Criteria: ACMG Guidelines, 2015. Collection method: clinical testing. Allele origin: germline. Inheritance: Autosomal dominant inheritance. Observed: 4 variant alleles, 4 heterozygotes.
Comment: Gene for which null variants are not an established cause for the relevant disease

This study involves interpretation of variants in research participants for the purpose of population health screening. Participant phenotype was not available at the time of variant classification. Additional details can be found in publication PMID: 35346344, PMCID: PMC8962531

Ambry Genetics
Classification: Uncertain significance for Cardiovascular phenotype. Last evaluated: 2021-02-03. Review status: criteria provided, single submitter. Criteria: Ambry Variant Classification Scheme 2023. Collection method: clinical testing. Allele origin: germline.
Comment: The p.Q1464* variant (also known as c.4390C>T), located in coding exon 30 of the MYH7 gene, results from a C to T substitution at nucleotide position 4390. This changes the amino acid from a glutamine to a stop codon within coding exon 30. This alteration is expected to result in loss of function by premature protein truncation or nonsense-mediated mRNA decay. However, loss of function of MYH7 has not been clearly established as a mechanism of disease. Since supporting evidence is limited at this time, the clinical significance of this alteration remains unclear.

GeneDx
Classification: Uncertain significance. Last evaluated: 2019-09-18. Review status: criteria provided, single submitter. Criteria: GeneDx Variant Classification Process June 2021. Collection method: clinical testing. Allele origin: germline. Affected: yes.
Comment: Not observed at a significant frequency in large population cohorts (Lek et al., 2016); Nonsense variant predicted to result in protein truncation [or nonsense mediated decay] in a gene for which loss-of-function is not a known mechanism of disease; Reported in ClinVar but additional evidence is not available (ClinVar Variant ID# 520285; Landrum et al., 2016); This variant is associated with the following publications: (PMID: 22213221)

NM_000257.4(MYH7):c.4390C>T (p.Gln1464Ter)

Genes: MHRT (myosin heavy chain associated RNA transcript; plus strand), MYH7 (myosin heavy chain 7; minus strand). Cytogenetic location: 14q11.2.
Variant type: single nucleotide variant.
Coding change: c.4390C>T on transcript NM_000257.4 (MANE Select); coding-DNA position 4390, C replaced by T.
Protein change: p.Gln1464Ter; replaces glutamine 1464 with a stop codon.
Molecular consequence: nonsense. On other transcripts: non-coding transcript variant (1).
Genome position (GRCh38, 1-based): chr14:23,417,282, G>A on the plus strand (C>T on the coding strand, the complement: MYH7 is on the minus strand). VCF-style: chr14-23417282-G-A. GRCh37 (hg19) VCF-style: chr14-23886491-G-A.
Other names: c.4390C>T (LRG_384t1); short protein forms Q1464*.
Identifiers: ClinVar variation 520285 (VCV000520285.13), dbSNP rs754829218, ClinGen allele CA042146.